The following is an entry in ClinVar:

ClinVar aggregate classification (germline): Uncertain significance (1 of 4 stars; one submission).

gnomAD v4.1: 1 of 1,614,026 alleles (0.000062%); highest among the groups gnomAD compares: Non-Finnish European, 0.000085%; no homozygotes.

Submission:

Labcorp Genetics (formerly Invitae), Labcorp
Classification: Uncertain significance. Last evaluated: 2025-08-13. Review status: criteria provided, single submitter. Criteria: Invitae Variant Classification Sherloc (09022015). Collection method: clinical testing. Allele origin: germline.
Comment: This sequence change replaces proline, which is neutral and non-polar, with leucine, which is neutral and non-polar, at codon 467 of the RFWD3 protein (p.Pro467Leu). This variant is not present in population databases (gnomAD no frequency). This variant has not been reported in the literature in individuals affected with RFWD3-related conditions. An algorithm developed to predict the effect of missense changes on protein structure and function (PolyPhen-2) suggests that this variant is likely to be disruptive. In summary, the available evidence is currently insufficient to determine the role of this variant in disease. Therefore, it has been classified as a Variant of Uncertain Significance.

NM_018124.4(RFWD3):c.1400C>T (p.Pro467Leu)

Gene: RFWD3 (ring finger and WD repeat domain 3; minus strand). Cytogenetic location: 16q23.1.
Variant type: single nucleotide variant.
Coding change: c.1400C>T on transcript NM_018124.4 (MANE Select); coding-DNA position 1400, C replaced by T.
Protein change: p.Pro467Leu; replaces proline 467 with leucine.
Molecular consequence: missense variant.
Genome position (GRCh38, 1-based): chr16:74,636,372, G>A on the plus strand (C>T on the coding strand, the complement: RFWD3 is on the minus strand). VCF-style: chr16-74636372-G-A. GRCh37 (hg19) VCF-style: chr16-74670270-G-A.
Other names: c.1400C>T, p.Pro467Leu (NM_001370534.1, NM_001370535.1, NM_001370536.1); c.566C>T, p.Pro189Leu (NM_001370537.1, NM_001370539.1, NM_001370540.1 and 2 more transcripts); short protein forms P189L, P467L.
Identifiers: ClinVar variation 4772964 (VCV004772964.1).